The following is an entry in ClinVar:

NM_024757.5(EHMT1):c.581C>G (p.Pro194Arg)

Gene: EHMT1 (euchromatic histone lysine methyltransferase 1; plus strand). Cytogenetic location: 9q34.3.
Variant type: single nucleotide variant.
Coding change: c.581C>G on transcript NM_024757.5 (MANE Select); coding-DNA position 581, C replaced by G.
Protein change: p.Pro194Arg; replaces proline 194 with arginine.
Molecular consequence: missense variant.
Genome position (GRCh38, 1-based): chr9:137,717,121, C>G. VCF-style: chr9-137717121-C-G. GRCh37 (hg19) VCF-style: chr9-140611573-C-G.
Other names: c.581C>G, p.Pro194Arg (NM_001145527.2, NM_001354263.2, NM_001354611.2); c.488C>G, p.Pro163Arg (NM_001354259.2, NM_001354612.2); short protein forms P194R, P163R.
Identifiers: ClinVar variation 944476 (VCV000944476.10), dbSNP rs35570782, ClinGen allele CA375766133.

ClinVar aggregate classification (germline): Uncertain significance (1 of 4 stars; one submission).

Conditions:
Kleefstra syndrome 1 (KLEFS1). Identifiers: Orphanet 261494, MedGen C0795833, MONDO:0027407, OMIM 610253.

Submission:

Labcorp Genetics (formerly Invitae), Labcorp
Classification: Uncertain significance for Kleefstra syndrome 1. Last evaluated: 2019-06-05. Review status: criteria provided, single submitter. Criteria: Invitae Variant Classification Sherloc (09022015). Collection method: clinical testing. Allele origin: germline.
Comment: Algorithms developed to predict the effect of missense changes on protein structure and function are either unavailable or do not agree on the potential impact of this missense change (SIFT: "Deleterious"; PolyPhen-2: "Benign"; Align-GVGD: "Class C0"). In summary, the available evidence is currently insufficient to determine the role of this variant in disease. Therefore, it has been classified as a Variant of Uncertain Significance. This variant has not been reported in the literature in individuals with EHMT1-related conditions. This variant is not present in population databases (ExAC no frequency). This sequence change replaces proline with arginine at codon 194 of the EHMT1 protein (p.Pro194Arg). The proline residue is weakly conserved and there is a moderate physicochemical difference between proline and arginine.